The following is an entry in ClinVar:

ClinVar aggregate classification (germline): Uncertain significance (1 of 4 stars; one submission).

Conditions:
Inborn genetic diseases. Identifiers: MedGen C0950123, MeSH D030342.

Submission:

Ambry Genetics
Classification: Uncertain significance for Inborn genetic diseases. Last evaluated: 2025-12-15. Review status: criteria provided, single submitter. Criteria: Ambry Variant Classification Scheme 2023. Collection method: clinical testing. Allele origin: germline.
Comment: The p.C846Y variant (also known as c.2537G>A), located in coding exon 27 of the FANCA gene, results from a G to A substitution at nucleotide position 2537. The cysteine at codon 846 is replaced by tyrosine, an amino acid with highly dissimilar properties. This amino acid position is conserved. In addition, this alteration is predicted to be deleterious by in silico analysis. Based on the available evidence, the clinical significance of this variant remains unclear.

NM_000135.4(FANCA):c.2537G>A (p.Cys846Tyr)

Gene: FANCA (FA complementation group A; minus strand). Cytogenetic location: 16q24.3.
Variant type: single nucleotide variant.
Coding change: c.2537G>A on transcript NM_000135.4 (MANE Select); coding-DNA position 2537, G replaced by A.
Protein change: p.Cys846Tyr; replaces cysteine 846 with tyrosine.
Molecular consequence: missense variant.
Genome position (GRCh38, 1-based): chr16:89,767,205, C>T on the plus strand (G>A on the coding strand, the complement: FANCA is on the minus strand). VCF-style: chr16-89767205-C-T. GRCh37 (hg19) VCF-style: chr16-89833613-C-T.
Other names: c.2537G>A, p.Cys846Tyr (NM_001286167.3); short protein forms C846Y.
Identifiers: ClinVar variation 4843003 (VCV004843003.1).